The following is an entry in ClinVar:

NM_003036.4(SKI):c.1536C>T (p.Asp512=)

Gene: SKI (SKI proto-oncogene; plus strand). Cytogenetic location: 1p36.32.
Variant type: single nucleotide variant.
Coding change: c.1536C>T on transcript NM_003036.4 (MANE Select); coding-DNA position 1536, C replaced by T.
Protein change: p.Asp512=; no amino-acid change (aspartic acid 512 retained).
Molecular consequence: synonymous variant.
Genome position (GRCh38, 1-based): chr1:2,304,354, C>T. VCF-style: chr1-2304354-C-T. GRCh37 (hg19) VCF-style: chr1-2235793-C-T.
Identifiers: ClinVar variation 1774720 (VCV001774720.5), dbSNP rs1278675248, ClinGen allele CA415774849.
Genomic context (GRCh38, chr1:2,304,354, plus strand): 5'-CACCTCCTCCTTGTCCTCGCTCTCTTCCCCGTCCTTTACCTCATCCAGCTCCGCCAAGGA[C>T]CTGGGCTCCCCGGGTGCGCGTGCCCTGCCCTCGGCCGTCCCTGATGCTGCGGCCCCTGCC-3'
Protein context (NP_003027.1, residues 502-522): PSFTSSSSAK[Asp512=]LGSPGARALP

ClinVar aggregate classification (germline): Likely benign. Review status: criteria provided, multiple submitters, no conflicts (2 of 4 stars). 3 submissions from 3 submitters: Likely benign (3). Last evaluated 2025-02-26.

Conditions:
SKI-related disorder. Also called: SKI-related condition.
Familial thoracic aortic aneurysm and aortic dissection (TAAD). Also called: Thoracic aortic aneurysms and dissections. Identifiers: Orphanet 91387, MedGen C4707243, MONDO:0019625.
Shprintzen-Goldberg syndrome (SGS). Also called: SHPRINTZEN-GOLDBERG CRANIOSYNOSTOSIS SYNDROME; CRANIOSYNOSTOSIS WITH ARACHNODACTYLY AND ABDOMINAL HERNIAS; Marfanoid disorder with craniosynostosis type 1; Marfanoid craniosynostosis syndrome; Shprintzen-Goldberg marfanoid syndrome. Identifiers: Orphanet 2462, MedGen C1321551, MONDO:0008426, OMIM 182212.

gnomAD v4.1: 4 of 1,551,656 alleles (0.00026%); highest among the groups gnomAD compares: Admixed American, 0.002%; no homozygotes.

Submissions (3):

PreventionGenetics, part of Exact Sciences
Classification: Likely benign for SKI-related condition. Last evaluated: 2025-02-26. Review status: criteria provided, single submitter. Criteria: ACMG Guidelines, 2015. Collection method: clinical testing. Allele origin: germline.
Comment: This variant is classified as likely benign based on ACMG/AMP sequence variant interpretation guidelines (Richards et al. 2015 PMID: 25741868, with internal and published modifications).

Labcorp Genetics (formerly Invitae), Labcorp
Classification: Likely benign for Shprintzen-Goldberg syndrome. Last evaluated: 2024-12-18. Review status: criteria provided, single submitter. Criteria: Invitae Variant Classification Sherloc (09022015). Collection method: clinical testing. Allele origin: germline.

Ambry Genetics
Classification: Likely benign for Familial thoracic aortic aneurysm and aortic dissection. Last evaluated: 2021-05-27. Review status: criteria provided, single submitter. Criteria: Ambry Variant Classification Scheme 2023. Collection method: clinical testing. Allele origin: germline.